The following is an entry in ClinVar:

NM_005359.6(SMAD4):c.1259G>T (p.Arg420Leu)

Gene: SMAD4 (SMAD family member 4; plus strand). Cytogenetic location: 18q21.2.
Variant type: single nucleotide variant.
Coding change: c.1259G>T on transcript NM_005359.6 (MANE Select); coding-DNA position 1259, G replaced by T.
Protein change: p.Arg420Leu; replaces arginine 420 with leucine.
Molecular consequence: missense variant. On other transcripts: non-coding transcript variant (1).
Genome position (GRCh38, 1-based): chr18:51,067,138, G>T. VCF-style: chr18-51067138-G-T. GRCh37 (hg19) VCF-style: chr18-48593508-G-T.
Other names: c.1259G>T, p.Arg420Leu (NM_001407041.1, NM_001407042.1); short protein forms R420L.
Identifiers: ClinVar variation 3255066 (VCV003255066.2), dbSNP rs1064793725.

ClinVar aggregate classification (germline): Uncertain significance (1 of 4 stars; one submission).

Conditions:
Myhre syndrome (MYHRS). Also called: LARYNGOTRACHEAL STENOSIS, ARTHROPATHY, PROGNATHISM, AND SHORT STATURE; LAPS SYNDROME. Identifiers: Orphanet 2588, MedGen C0796081, MONDO:0007688, OMIM 139210.

Submission:

Victorian Clinical Genetics Services, Murdoch Childrens Research Institute
Classification: Uncertain significance for Myhre syndrome. Last evaluated: 2024-10-09. Review status: criteria provided, single submitter. Criteria: ACMG Guidelines, 2015. Collection method: clinical testing. Allele origin: germline. Inheritance: Autosomal dominant inheritance. Affected: yes.
Comment: Based on the classification scheme VCGS_Germline_v1.3.4, this variant is classified as VUS-3A. Following criteria are met: 0103 - Loss of function is a known mechanism of disease, whilst dominant negative and gain of function are likely mechanisms of disease in this gene. Premature termination variants resulting in a loss of function are associated with juvenile intestinal polyposis (MIM#174900) and juvenile polyposis/hereditary hemorrhagic telangiectasia syndrome (MIM#175050) (OMIM). Functional analysis on missense variants shows both gain of function and dominant negative effects at the same residue (PMIDs: 22158539, 36194927) and are associated with Myhre syndrome (MIM#139210). (I) 0107 - This gene is associated with autosomal dominant disease. (I) 0200 - Variant is predicted to result in a missense amino acid change from arginine to leucine. (I) 0251 - This variant is heterozygous. (I) 0301 - Variant is absent from gnomAD (both v2 and v3). (SP) 0501 - Missense variant consistently predicted to be damaging by multiple in silico tools or highly conserved with a major amino acid change. (SP) 0603 - Missense variant in a region that is highly intolerant to missense variation (high constraint region in DECIPHER). (SP) 0710 - Other missense variants comparable to the one identified in this case have inconclusive previous evidence for pathogenicity. Two alternative changes, p.(Arg420His) and p.(Arg420Cys), have been classified as VUS in ClinVar. (I) 0807 - This variant has no previous evidence of pathogenicity. (I) 0905 - No published segregation evidence has been identified for this variant. (I) 1007 - No published functional evidence has been identified for this variant. (SP) Legend: (SP) - Supporting pathogenic, (I) - Information, (SB) - Supporting benign

Literature cited by the submitters: PubMed 22158539; PubMed 36194927.